The following is an entry in ClinVar:

NM_024753.5(TTC21B):c.431del

Genes: TTC21B (tetratricopeptide repeat domain 21B; minus strand), TTC21B-AS1 (TTC21B antisense RNA 1; plus strand). Cytogenetic location: 2q24.3.
Variant type: Deletion.
Coding change: c.431del on transcript NM_024753.5 (MANE Select); coding-DNA position 431, one base deleted (G; older notation c.431delG).
Genome position (GRCh38, 1-based): chr2:165,943,340, C deleted on the plus strand (G on the coding strand, the reverse complement: TTC21B is on the minus strand); the first of 3 consecutive C bases (chr2:165,943,340-165,943,342); deleting any one gives the same sequence. VCF-style (leftmost placement, unchanged base first): chr2-165943339-TC-T. GRCh37 (hg19) VCF-style: chr2-166799849-TC-T.
Identifiers: ClinVar variation 1944012 (VCV001944012.7), dbSNP rs2468244727, ClinGen allele CA2577144007.

ClinVar aggregate classification (germline): Pathogenic/Likely pathogenic. Review status: criteria provided, multiple submitters, no conflicts (2 of 4 stars). 2 submissions from 2 submitters: Pathogenic (1); Likely pathogenic (1). Last evaluated 2024-04-29.

Conditions:
Asphyxiating thoracic dystrophy 4 (SRTD4). Also called: SHORT-RIB THORACIC DYSPLASIA 4; SHORT-RIB THORACIC DYSPLASIA 4 WITH OR WITHOUT POLYDACTYLY. Identifiers: Orphanet 474, MedGen C3151185, MONDO:0013441, OMIM 613819.
Nephronophthisis 12 (NPHP12). Identifiers: Orphanet 655, MedGen C3151186, MONDO:0013442, OMIM 613820.
Jeune thoracic dystrophy. Also called: Jeune syndrome; Infantile thoracic dystrophy; Thoracic pelvic phalangeal dystrophy; Jeune's syndrome; Chondroectodermal dysplasia-like syndrome; Short-rib thoracic dysplasia. Identifiers: Orphanet 474, MedGen C0265275, MONDO:0018770.
Nephronophthisis. Also called: Juvenile Nephronophthisis. Identifiers: Orphanet 655, MedGen C0687120, MONDO:0019005, HP:0000090.

Submissions (2):

Fulgent Genetics
Classification: Likely pathogenic for Asphyxiating thoracic dystrophy 4; Nephronophthisis 12. Last evaluated: 2024-04-29. Review status: criteria provided, single submitter. Criteria: ACMG Guidelines, 2015. Collection method: clinical testing. Allele origin: germline.

Labcorp Genetics (formerly Invitae), Labcorp
Classification: Pathogenic for Jeune thoracic dystrophy; Nephronophthisis. Last evaluated: 2022-09-26. Review status: criteria provided, single submitter. Criteria: Invitae Variant Classification Sherloc (09022015). Collection method: clinical testing. Allele origin: germline.
Comment: This sequence change creates a premature translational stop signal (p.Gly144Aspfs*4) in the TTC21B gene. It is expected to result in an absent or disrupted protein product. Loss-of-function variants in TTC21B are known to be pathogenic (PMID: 18327258, 21068128, 21258341, 23559409, 24876116, 25492405, 27491411, 29068549). This variant is not present in population databases (gnomAD no frequency). This variant has not been reported in the literature in individuals affected with TTC21B-related conditions. For these reasons, this variant has been classified as Pathogenic.

Literature cited by the submitters: PubMed 18327258 (cited by Labcorp Genetics (formerly Invitae), Labcorp); PubMed 21068128 (cited by Labcorp Genetics (formerly Invitae), Labcorp); PubMed 21258341 (cited by Labcorp Genetics (formerly Invitae), Labcorp); PubMed 23559409 (cited by Labcorp Genetics (formerly Invitae), Labcorp); PubMed 24876116 (cited by Labcorp Genetics (formerly Invitae), Labcorp); PubMed 25492405 (cited by Labcorp Genetics (formerly Invitae), Labcorp); PubMed 27491411 (cited by Labcorp Genetics (formerly Invitae), Labcorp); PubMed 29068549 (cited by Labcorp Genetics (formerly Invitae), Labcorp).